The following is an entry in ClinVar:

NM_015909.4(NBAS):c.3562del (p.Leu1188fs)

Gene: NBAS (NBAS subunit of NRZ tethering complex; minus strand). Cytogenetic location: 2p24.3.
Variant type: Deletion.
Coding change: c.3562del on transcript NM_015909.4 (MANE Select); coding-DNA position 3562, one base deleted (C; older notation c.3562delC).
Protein change: p.Leu1188fs; shifts the reading frame from leucine 1188.
Molecular consequence: frameshift variant. On other transcripts: non-coding transcript variant (1).
Genome position (GRCh38, 1-based): chr2:15,379,630, G deleted on the plus strand (C on the coding strand, the reverse complement: NBAS is on the minus strand); the first of 2 consecutive G bases (chr2:15,379,630-15,379,631); deleting either gives the same sequence. VCF-style (leftmost placement, unchanged base first): chr2-15379629-AG-A. GRCh37 (hg19) VCF-style: chr2-15519753-AG-A.
Other names: short protein forms L1188fs.
Identifiers: ClinVar variation 1458355 (VCV001458355.6), dbSNP rs2148373123, ClinGen allele CA2573133112.

ClinVar aggregate classification (germline): Pathogenic (1 of 4 stars; one submission).

Submission:

Labcorp Genetics (formerly Invitae), Labcorp
Classification: Pathogenic. Last evaluated: 2021-02-14. Review status: criteria provided, single submitter. Criteria: Invitae Variant Classification Sherloc (09022015). Collection method: clinical testing. Allele origin: germline.
Comment: This variant is not present in population databases (ExAC no frequency). This sequence change creates a premature translational stop signal (p.Leu1188Serfs*8) in the NBAS gene. It is expected to result in an absent or disrupted protein product. Loss-of-function variants in NBAS are known to be pathogenic (PMID: 26073778, 26541327, 27789416, 28031453). This variant has not been reported in the literature in individuals with NBAS-related conditions. For these reasons, this variant has been classified as Pathogenic.

Literature cited by the submitters: PubMed 26073778; PubMed 26541327; PubMed 27789416; PubMed 28031453.